The following is an entry in ClinVar:

NM_017617.5(NOTCH1):c.6348C>G (p.Tyr2116Ter)

Gene: NOTCH1 (notch receptor 1; minus strand). Cytogenetic location: 9q34.3.
Variant type: single nucleotide variant.
Coding change: c.6348C>G on transcript NM_017617.5 (MANE Select); coding-DNA position 6348, C replaced by G.
Protein change: p.Tyr2116Ter; replaces tyrosine 2116 with a stop codon.
Molecular consequence: nonsense.
Genome position (GRCh38, 1-based): chr9:136,497,391, G>C on the plus strand (C>G on the coding strand, the complement: NOTCH1 is on the minus strand). VCF-style: chr9-136497391-G-C. GRCh37 (hg19) VCF-style: chr9-139391843-G-C.
Other names: c.6348C>G, p.Tyr2116Ter (LRG_1122t1); short protein forms Y2116*.
Identifiers: ClinVar variation 374271 (VCV000374271.3), dbSNP rs1057518661, ClinGen allele CA16043671.

ClinVar aggregate classification (germline): Likely pathogenic. Review status: criteria provided, single submitter (1 of 4 stars). 2 submissions from 2 submitters: Likely pathogenic (1). 1 of the submissions does not count toward it. Last evaluated 2026-02-03.

Conditions:
Aortic valve disease 1 (AOVD1). Identifiers: MedGen C3887892, MONDO:0024523, OMIM 109730.

Submissions (2):

GeneDx
Classification: Likely pathogenic. Last evaluated: 2026-02-03. Review status: criteria provided, single submitter. Criteria: GeneDx Variant Classification Process June 2021. Collection method: clinical testing. Allele origin: germline.
Comment: Nonsense variant predicted to result in protein truncation, as the last 440 amino acids are lost, and other loss-of-function variants have been reported downstream in HGMD; Not observed at significant frequency in large population cohorts (gnomAD); Reported in an individual who underwent whole exome sequencing. No clinical information was provided for this patient (PMID: 27959697); This variant is associated with the following publications: (PMID: 35947102, 27959697)

Baylor Genetics
Classification: Pathogenic for Aortic valve disease 1. Last evaluated: 2014-05-05. Review status: no assertion criteria provided. Collection method: clinical testing. Allele origin: paternal. Inheritance: Autosomal dominant inheritance. Affected: yes. Observed: 1 variant allele, 1 heterozygote. Not counted in ClinVar's aggregate classification.
Comment: The variant in NOTCH1 is predicted to cause a nonsense mutation and is categorized as deleterious by ACMGG guidelines [PMID: 18414213].